The following is an entry in ClinVar:

NM_004656.4(BAP1):c.1401T>G (p.Thr467=)

Gene: BAP1 (BRCA1 associated deubiquitinase 1; minus strand). Cytogenetic location: 3p21.1.
Variant type: single nucleotide variant.
Coding change: c.1401T>G on transcript NM_004656.4 (MANE Select); coding-DNA position 1401, T replaced by G.
Protein change: p.Thr467=; no amino-acid change (threonine 467 retained).
Molecular consequence: synonymous variant.
Genome position (GRCh38, 1-based): chr3:52,403,744, A>C on the plus strand (T>G on the coding strand, the complement: BAP1 is on the minus strand). VCF-style: chr3-52403744-A-C. GRCh37 (hg19) VCF-style: chr3-52437760-A-C.
Identifiers: ClinVar variation 750710 (VCV000750710.35), dbSNP rs1578220972, ClinGen allele CA433886343.

ClinVar aggregate classification (germline): Benign/Likely benign. Review status: criteria provided, multiple submitters, no conflicts (2 of 4 stars). 5 submissions from 5 submitters: Benign (1); Likely benign (4). Last evaluated 2025-10-13.

Conditions:
Hereditary cancer-predisposing syndrome. Also called: Hereditary Cancer Syndrome; Tumor predisposition; Hereditary neoplastic syndrome; Neoplastic Syndromes, Hereditary. Identifiers: Orphanet 140162, MedGen C0027672, MeSH D009386, MONDO:0015356.
BAP1-related tumor predisposition syndrome (TPDS1). Also called: Tumor susceptibility linked to germline BAP1 mutations; COMMON Syndrome; TUMOR PREDISPOSITION SYNDROME 1; BAP1 tumor predisposition syndrome. Identifiers: Orphanet 289539, MedGen C3280492, MONDO:0013692, OMIM 614327.

Allele frequency attached by ClinVar (database versions not stated): TOPMed below 0.00001.
gnomAD v4.1: 3 of 1,613,962 alleles (0.00019%); highest among the groups gnomAD compares: Non-Finnish European, 0.00025%; no homozygotes.

Submissions (5):

Labcorp Genetics (formerly Invitae), Labcorp
Classification: Likely benign for BAP1-related tumor predisposition syndrome. Last evaluated: 2025-10-13. Review status: criteria provided, single submitter. Criteria: Invitae Variant Classification Sherloc (09022015). Collection method: clinical testing. Allele origin: germline.

Myriad Genetics, Inc.
Classification: Benign for BAP1-related tumor predisposition syndrome. Last evaluated: 2024-07-16. Review status: criteria provided, single submitter. Criteria: Myriad Autosomal Dominant, Autosomal Recessive and X-Linked Classification Criteria (2023). Collection method: clinical testing. Allele origin: unknown.
Comment: This variant is considered benign. This variant is a silent/synonymous amino acid change and it is not expected to impact splicing.

CeGaT Center for Human Genetics Tuebingen
Classification: Likely benign. Last evaluated: 2023-11-01. Review status: criteria provided, single submitter. Criteria: CeGaT Center For Human Genetics Tuebingen Variant Classification Criteria Version 2. Collection method: clinical testing. Allele origin: germline. Affected: yes. Observed: 1 variant allele.
Comment: BAP1: BP4, BP7

Ambry Genetics
Classification: Likely benign for Hereditary cancer-predisposing syndrome. Last evaluated: 2022-03-19. Review status: criteria provided, single submitter. Criteria: Ambry Variant Classification Scheme 2023. Collection method: clinical testing. Allele origin: germline.

GeneDx
Classification: Likely benign. Last evaluated: 2019-06-06. Review status: criteria provided, single submitter. Criteria: GeneDx Variant Classification Process June 2021. Collection method: clinical testing. Allele origin: germline. Affected: yes.